The following is an entry in ClinVar:

ClinVar aggregate classification (germline): Uncertain significance. Review status: criteria provided, multiple submitters, no conflicts (2 of 4 stars). 2 submissions from 2 submitters: Uncertain significance (2). Last evaluated 2024-02-09.

Conditions:
Hereditary cancer-predisposing syndrome. Also called: Neoplastic Syndromes, Hereditary; Tumor predisposition; Hereditary neoplastic syndrome; Hereditary Cancer Syndrome. Identifiers: Orphanet 140162, MedGen C0027672, MeSH D009386, MONDO:0015356.

Submissions (2):

Ambry Genetics
Classification: Uncertain significance for Hereditary cancer-predisposing syndrome. Last evaluated: 2024-02-09. Review status: criteria provided, single submitter. Criteria: Ambry Variant Classification Scheme 2023. Collection method: clinical testing. Allele origin: germline.
Comment: The p.M1334I variant (also known as c.4002G>T), located in coding exon 20 of the MET gene, results from a G to T substitution at nucleotide position 4002. The methionine at codon 1334 is replaced by isoleucine, an amino acid with highly similar properties. This amino acid position is highly conserved in available vertebrate species. In addition, this alteration is predicted to be deleterious by in silico analysis. Based on the available evidence, the clinical significance of this alteration remains unclear.

GeneDx
Classification: Uncertain significance. Last evaluated: 2023-10-04. Review status: criteria provided, single submitter. Criteria: GeneDx Variant Classification Process June 2021. Collection method: clinical testing. Allele origin: germline. Affected: yes.
Comment: Not observed at significant frequency in large population cohorts (gnomAD); In silico analysis supports that this missense variant has a deleterious effect on protein structure/function; Has not been previously published as pathogenic or benign to our knowledge

NM_000245.4(MET):c.3948G>T (p.Met1316Ile)

Gene: MET (MET proto-oncogene, receptor tyrosine kinase; plus strand). Cytogenetic location: 7q31.2.
Variant type: single nucleotide variant.
Coding change: c.3948G>T on transcript NM_000245.4 (MANE Select); coding-DNA position 3948, G replaced by T.
Protein change: p.Met1316Ile; replaces methionine 1316 with isoleucine.
Molecular consequence: missense variant.
Genome position (GRCh38, 1-based): chr7:116,795,899, G>T. VCF-style: chr7-116795899-G-T. GRCh37 (hg19) VCF-style: chr7-116435953-G-T.
Other names: c.4002G>T, p.Met1334Ile (NM_001127500.3); c.2658G>T, p.Met886Ile (NM_001324402.2); short protein forms M1316I, M1334I, M886I.
Identifiers: ClinVar variation 3232990 (VCV003232990.2), dbSNP rs1434248114, ClinGen allele CA369118070.
Genomic context (GRCh38, chr7:116,795,899, plus strand): 5'-GCCTGCCTTCAAAGGGTCTCTTACAGCATGTCTTTCTTTTTGGAACAGATATGAAGTAAT[G>T]CTAAAATGCTGGCACCCTAAAGCCGAAATGCGCCCATCCTTTTCTGAACTGGTGTCCCGG-3'
Protein context (NP_000236.2, residues 1306-1326): EYCPDPLYEV[Met1316Ile]LKCWHPKAEM